The following is an entry in ClinVar:

NC_000023.10:g.(?_32235023)_(32430336_?)del

Gene: DMD (dystrophin; minus strand). Cytogenetic location: Xp21.1.
Variant type: Deletion.
Identifiers: ClinVar variation 1445783 (VCV001445783.7).

ClinVar aggregate classification (germline): Pathogenic (1 of 4 stars; one submission).

Conditions:
Duchenne muscular dystrophy (DMD). Also called: Duchenne Muscular Dystrophy (DMD); MUSCULAR DYSTROPHY, PSEUDOHYPERTROPHIC PROGRESSIVE, DUCHENNE TYPE. Identifiers: Orphanet 98896, MedGen C0013264, MONDO:0010679, OMIM 310200.

Submission:

Labcorp Genetics (formerly Invitae), Labcorp
Classification: Pathogenic for Duchenne muscular dystrophy. Last evaluated: 2020-12-04. Review status: criteria provided, single submitter. Criteria: Invitae Variant Classification Sherloc (09022015). Collection method: clinical testing. Allele origin: germline.
Comment: For these reasons, this variant has been classified as Pathogenic. The region of the DMD gene that includes exon(s) 40 has been determined to be clinically significant (PMID: 21520333, 28116794). Therefore, deletions that encompass that region are likely to disrupt protein function and cause disease. Similar deletions of exons 30-44 have been observed in individual(s) with Duchenne muscular dystrophy or Becker muscular dystrophy (PMID: 31081998, 24292997). This variant is a gross deletion of the genomic region encompassing exon(s) 30-44 of the DMD gene. This variant would be expected to be in-frame, preserving the integrity of the reading frame.

Literature cited by the submitters: PubMed 21520333; PubMed 28116794; PubMed 31081998; PubMed 24292997.